The following is an entry in ClinVar:

ClinVar aggregate classification (germline): Pathogenic (1 of 4 stars; one submission).

Conditions:
Hereditary breast ovarian cancer syndrome. Also called: Hereditary breast and ovarian cancer syndrome (HBOC); Hereditary breast and/or ovarian cancer syndrome; Hereditary breast and ovarian cancer; BRCA1- and BRCA2-Associated Hereditary Breast and Ovarian Cancer; Breast and ovarian cancer; Hereditary breast and ovarian cancer syndrome. Identifiers: Orphanet 145, MedGen C0677776, MeSH D061325, MONDO:0003582. Disease mechanism: loss of function.

Submission:

Labcorp Genetics (formerly Invitae), Labcorp
Classification: Pathogenic for Hereditary breast ovarian cancer syndrome. Last evaluated: 2022-04-01. Review status: criteria provided, single submitter. Criteria: Invitae Variant Classification Sherloc (09022015). Collection method: clinical testing. Allele origin: germline.
Comment: For these reasons, this variant has been classified as Pathogenic. This variant has not been reported in the literature in individuals affected with BRCA2-related conditions. This variant is not present in population databases (gnomAD no frequency). This sequence change creates a premature translational stop signal (p.Asn2463Ilefs*6) in the BRCA2 gene. It is expected to result in an absent or disrupted protein product. Loss-of-function variants in BRCA2 are known to be pathogenic (PMID: 20104584).

Literature cited by the submitters: PubMed 20104584.

NM_000059.4(BRCA2):c.7386del (p.Asn2463fs)

Gene: BRCA2 (BRCA2 DNA repair associated; plus strand). Cytogenetic location: 13q13.1.
Variant type: Deletion.
Coding change: c.7386del on transcript NM_000059.4 (MANE Select); coding-DNA position 7386, one base deleted (C; older notation c.7386delC).
Protein change: p.Asn2463fs; shifts the reading frame from asparagine 2463.
Molecular consequence: frameshift variant.
Genome position (GRCh38, 1-based): chr13:32,355,239, C deleted; the last of 2 consecutive C bases (chr13:32,355,238-32,355,239); deleting either gives the same sequence. VCF-style (leftmost placement, unchanged base first): chr13-32355237-TC-T. GRCh37 (hg19) VCF-style: chr13-32929374-TC-T.
Other names: c.7290delC, p.Asn2431Ilefs (NM_001406719.1); c.7386delC, p.Asn2463Ilefs (NM_001406720.1); c.2454delC, p.Asn819Ilefs (NM_001406721.1); c.969delC, p.Asn324Ilefs (NM_001406722.1); short protein forms N2463fs.
Identifiers: ClinVar variation 2120130 (VCV002120130.4), dbSNP rs2548540691, ClinGen allele CA2580087443.